The following is an entry in ClinVar:

ClinVar aggregate classification (germline): Uncertain significance. Review status: criteria provided, multiple submitters, no conflicts (2 of 4 stars). 2 submissions from 2 submitters: Uncertain significance (2). Last evaluated 2025-10-23.

Conditions:
PEHO-like syndrome. Also called: PROGRESSIVE ENCEPHALOPATHY WITH EDEMA, HYPSARRHYTHMIA, AND OPTIC ATROPHY-LIKE SYNDROME. Identifiers: Orphanet 99807, MedGen C1850056, MONDO:0020495, OMIM 617507.

Allele frequency attached by ClinVar (database versions not stated): gnomAD exomes 0.00003 and 0.00012; gnomAD 0.00032 and 0.00029; TOPMed 0.00049; 1000 Genomes Project 30x 0.00156; ExAC 0.00018; ESP Exome Variant Server 0.00054; 1000 Genomes Project 0.00160.
gnomAD v4.1: 95 of 1,450,710 alleles (0.0065%); highest among the groups gnomAD compares: African/African-American, 0.13%; no homozygotes.

Submissions (2):

Ambry Genetics
Classification: Uncertain significance. Last evaluated: 2025-10-23. Review status: criteria provided, single submitter. Criteria: Ambry Variant Classification Scheme 2023. Collection method: clinical testing. Allele origin: germline.

Labcorp Genetics (formerly Invitae), Labcorp
Classification: Uncertain significance. Last evaluated: 2022-08-10. Review status: criteria provided, single submitter. Criteria: Invitae Variant Classification Sherloc (09022015). Collection method: clinical testing. Allele origin: germline.
Comment: This sequence change replaces threonine, which is neutral and polar, with isoleucine, which is neutral and non-polar, at codon 868 of the CCDC88A protein (p.Thr868Ile). This variant is present in population databases (rs145063885, gnomAD 0.1%). This variant has not been reported in the literature in individuals affected with CCDC88A-related conditions. ClinVar contains an entry for this variant (Variation ID: 1351927). Algorithms developed to predict the effect of missense changes on protein structure and function (SIFT, PolyPhen-2, Align-GVGD) all suggest that this variant is likely to be tolerated. In summary, the available evidence is currently insufficient to determine the role of this variant in disease. Therefore, it has been classified as a Variant of Uncertain Significance.

NM_001365480.1(CCDC88A):c.2603C>T (p.Thr868Ile)

Gene: CCDC88A (coiled-coil and HOOK domain protein 88A; minus strand). Cytogenetic location: 2p16.1.
Variant type: single nucleotide variant.
Coding change: c.2603C>T on transcript NM_001365480.1 (MANE Select); coding-DNA position 2603, C replaced by T.
Protein change: p.Thr868Ile; replaces threonine 868 with isoleucine.
Molecular consequence: missense variant.
Genome position (GRCh38, 1-based): chr2:55,334,218, G>A on the plus strand (C>T on the coding strand, the complement: CCDC88A is on the minus strand). VCF-style: chr2-55334218-G-A. GRCh37 (hg19) VCF-style: chr2-55561354-G-A.
Other names: c.2603C>T (NM_001135597.1); c.2603C>T, p.Thr868Ile (NM_001135597.2, NM_001254943.2, NM_018084.5); short protein forms T868I.
Identifiers: ClinVar variation 1351927 (VCV001351927.6), dbSNP rs145063885, ClinGen allele CA1665962.
Genomic context (GRCh38, chr2:55,334,218, plus strand): 5'-TTTTCTAGTTCTTTCAGACGGACACAAGATTCTTTATATATACCAATTTCTTTGGATAGG[G>A]TTTTGTTTTCTTTTTCCAAATTTCCAATCTTCACATTATTTTCTTCTAATGTGGTATCTT-3'
Protein context (NP_001352409.1, residues 858-878): KIGNLEKENK[Thr868Ile]LSKEIGIYKE